The following is an entry in ClinVar:

ClinVar aggregate classification (germline): Uncertain significance (1 of 4 stars; one submission).

Conditions:
Intellectual developmental disorder, X-linked 112 (XLID112). Identifiers: MedGen C5829589, MONDO:0957496, OMIM 301111.

Submission:

Foundation for Research in Genetics and Endocrinology, FRIGE's Institute of Human Genetics
Classification: Uncertain significance for Intellectual developmental disorder, X-linked 112. Last evaluated: 2024-08-23. Review status: criteria provided, single submitter. Criteria: ACMG Guidelines, 2015. Collection method: clinical testing. Allele origin: germline. Inheritance: X-linked recessive inheritance. Affected: yes. Observed: 1 hemizygote.
Comment: A hemizygous missense variation in exon 25 of the ZMYM3 gene that results in the amino acid substitution of Isoleucine for Methionine at codon 1343 was detected. The observed variant c.4029G>T (p.Met1343lle) has not been reported in the 1000 genomes, gnomAD (v3.1), gnomAD (v2.1), topmed and our internal databases. The in silico prediction of the variant is damaging by SIFT. The reference codon is conserved across species. In summary, the variant meets our criteria to be classified as a variant of uncertain significance.

NM_201599.3(ZMYM3):c.4029G>T (p.Met1343Ile)

Gene: ZMYM3 (zinc finger MYM-type containing 3; minus strand). Cytogenetic location: Xq13.1.
Variant type: single nucleotide variant.
Coding change: c.4029G>T on transcript NM_201599.3 (MANE Select); coding-DNA position 4029, G replaced by T.
Protein change: p.Met1343Ile; replaces methionine 1343 with isoleucine.
Molecular consequence: missense variant.
Genome position (GRCh38, 1-based): chrX:71,241,000, C>A on the plus strand (G>T on the coding strand, the complement: ZMYM3 is on the minus strand). VCF-style: chrX-71241000-C-A. GRCh37 (hg19) VCF-style: chrX-70460850-C-A.
Other names: p.Met1343Ile; c.3993G>T, p.Met1331Ile (NM_001171162.1); c.4029G>T, p.Met1343Ile (NM_005096.3); short protein forms M1331I, M1343I.
Identifiers: ClinVar variation 3338305 (VCV003338305.2).
Genomic context (GRCh38, chrX:71,241,000, plus strand): 5'-ACGACCCAGTTCCTCATAAATCTCGCGCACAGCCAGGATGCGATTGAGCATGCTCTCCAA[C>A]ATGCTGCGGTCCATGGGGATCACAGAATACCAGAGAGGTGACTCGGCGATGCAGGACCGT-3'
Protein context (NP_963893.1, residues 1333-1353): WYSVIPMDRS[Met1343Ile]LESMLNRILA